The following is an entry in ClinVar:

ClinVar aggregate classification (germline): Uncertain significance (1 of 4 stars; one submission).

Conditions:
Hereditary cancer-predisposing syndrome. Also called: Neoplastic Syndromes, Hereditary; Tumor predisposition; Hereditary neoplastic syndrome; Hereditary Cancer Syndrome. Identifiers: Orphanet 140162, MedGen C0027672, MeSH D009386, MONDO:0015356.

Submission:

Color Diagnostics, LLC DBA Color Health
Classification: Uncertain significance for Hereditary cancer-predisposing syndrome. Last evaluated: 2023-12-05. Review status: criteria provided, single submitter. Criteria: ACMG Guidelines, 2015. Collection method: clinical testing. Allele origin: germline.
Comment: This missense variant replaces leucine with valine at codon 211 of the BARD1 protein. Computational prediction suggests that this variant may not impact protein structure and function (internally defined REVEL score threshold <= 0.5, PMID: 27666373). To our knowledge, functional studies have not been reported for this variant. This variant has not been reported in individuals affected with BARD1-related disorders in the literature. This variant has not been identified in the general population by the Genome Aggregation Database (gnomAD). The available evidence is insufficient to determine the role of this variant in disease conclusively. Therefore, this variant is classified as a Variant of Uncertain Significance.

NM_000465.4(BARD1):c.631T>G (p.Leu211Val)

Gene: BARD1 (BRCA1 associated RING domain 1; minus strand). Cytogenetic location: 2q35.
Variant type: single nucleotide variant.
Coding change: c.631T>G on transcript NM_000465.4 (MANE Select); coding-DNA position 631, T replaced by G.
Protein change: p.Leu211Val; replaces leucine 211 with valine.
Molecular consequence: missense variant. On other transcripts: non-coding transcript variant (2), intron variant (3).
Genome position (GRCh38, 1-based): chr2:214,781,243, A>C on the plus strand (T>G on the coding strand, the complement: BARD1 is on the minus strand). VCF-style: chr2-214781243-A-C. GRCh37 (hg19) VCF-style: chr2-215645967-A-C.
Other names: c.574T>G, p.Leu192Val (NM_001282543.2); c.158+28169T>G (NM_001282548.2); c.215+15818T>G (NM_001282545.2); c.364+11054T>G (NM_001282549.2); short protein forms L211V, L192V.
Identifiers: ClinVar variation 630063 (VCV000630063.5), dbSNP rs1559425484, ClinGen allele CA350456641.